The following is an entry in ClinVar:

ClinVar aggregate classification (germline): Uncertain significance (1 of 4 stars; one submission).

Conditions:
Brachyolmia-amelogenesis imperfecta syndrome. Also called: PLATYSPONDYLY WITH AMELOGENESIS IMPERFECTA; Tooth agenesis, selective, 6; Dental anomalies and short stature. Identifiers: Orphanet 2899, MedGen C1832594, MONDO:0011018, OMIM 601216. Disease mechanism: loss of function.

Submission:

Labcorp Genetics (formerly Invitae), Labcorp
Classification: Uncertain significance for Brachyolmia-amelogenesis imperfecta syndrome. Last evaluated: 2021-06-30. Review status: criteria provided, single submitter. Criteria: Invitae Variant Classification Sherloc (09022015). Collection method: clinical testing. Allele origin: germline.
Comment: This variant has not been reported in the literature in individuals affected with LTBP3-related conditions. This sequence change replaces glycine with arginine at codon 296 of the LTBP3 protein (p.Gly296Arg). The glycine residue is highly conserved and there is a moderate physicochemical difference between glycine and arginine. This variant is not present in population databases (ExAC no frequency). Algorithms developed to predict the effect of missense changes on protein structure and function are either unavailable or do not agree on the potential impact of this missense change (SIFT: "Tolerated"; PolyPhen-2: "Probably Damaging"; Align-GVGD: "Class C0"). In summary, the available evidence is currently insufficient to determine the role of this variant in disease. Therefore, it has been classified as a Variant of Uncertain Significance.

NM_001130144.3(LTBP3):c.886G>C (p.Gly296Arg)

Gene: LTBP3 (latent transforming growth factor beta binding protein 3; minus strand). Cytogenetic location: 11q13.1.
Variant type: single nucleotide variant.
Coding change: c.886G>C on transcript NM_001130144.3 (MANE Select); coding-DNA position 886, G replaced by C.
Protein change: p.Gly296Arg; replaces glycine 296 with arginine.
Molecular consequence: missense variant.
Genome position (GRCh38, 1-based): chr11:65,553,509, C>G on the plus strand (G>C on the coding strand, the complement: LTBP3 is on the minus strand). VCF-style: chr11-65553509-C-G. GRCh37 (hg19) VCF-style: chr11-65320980-C-G.
Other names: c.535G>C, p.Gly179Arg (NM_001164266.1); c.886G>C, p.Gly296Arg (NM_021070.4); short protein forms G296R, G179R.
Identifiers: ClinVar variation 1364752 (VCV001364752.8), dbSNP rs1856688217, ClinGen allele CA381275303.